The following is an entry in ClinVar:

ClinVar aggregate classification (germline): Uncertain significance (1 of 4 stars; one submission).

Conditions:
Inborn genetic diseases. Identifiers: MedGen C0950123, MeSH D030342.

gnomAD v4.1: 4 of 1,613,720 alleles (0.00025%); highest among the groups gnomAD compares: South Asian, 0.0044%; no homozygotes.

Submission:

Ambry Genetics
Classification: Uncertain significance for Inborn genetic diseases. Last evaluated: 2025-01-14. Review status: criteria provided, single submitter. Criteria: Ambry Variant Classification Scheme 2023. Collection method: clinical testing. Allele origin: germline.
Comment: The p.L1448P variant (also known as c.4343T>C), located in coding exon 43 of the FANCA gene, results from a T to C substitution at nucleotide position 4343. The leucine at codon 1448 is replaced by proline, an amino acid with similar properties. This amino acid position is conserved. In addition, this alteration is predicted to be deleterious by in silico analysis. Based on the available evidence, the clinical significance of this variant remains unclear.

NM_000135.4(FANCA):c.4343T>C (p.Leu1448Pro)

Genes: FANCA (FA complementation group A; minus strand), ZNF276 (zinc finger protein 276; plus strand). Cytogenetic location: 16q24.3.
Variant type: single nucleotide variant.
Coding change: c.4343T>C on transcript NM_000135.4 (MANE Select); coding-DNA position 4343, T replaced by C.
Protein change: p.Leu1448Pro; replaces leucine 1448 with proline.
Molecular consequence: missense variant. On other transcripts: 3 prime UTR variant (3), non-coding transcript variant (4).
Genome position (GRCh38, 1-based): chr16:89,738,626, A>G on the plus strand (T>C on the coding strand, the complement: FANCA is on the minus strand). VCF-style: chr16-89738626-A-G. GRCh37 (hg19) VCF-style: chr16-89805034-A-G.
Other names: c.*72T>C (NM_001286167.3); c.*380A>G (NM_001113525.2, NM_152287.4); short protein forms L1448P.
Identifiers: ClinVar variation 3848112 (VCV003848112.1).